The following is an entry in ClinVar:

ClinVar aggregate classification (germline): Uncertain significance (1 of 4 stars; one submission).

Conditions:
Granulomatous disease, chronic, X-linked. Also called: CYTOCHROME b-NEGATIVE GRANULOMATOUS DISEASE, CHRONIC, X-LINKED; GRANULOMATOUS DISEASE, CHRONIC, X-LINKED, SOMATIC MOSAIC. Identifiers: Orphanet 379, MedGen C1844376, MONDO:0010600, OMIM 306400.

Submission:

Labcorp Genetics (formerly Invitae), Labcorp
Classification: Uncertain significance for Granulomatous disease, chronic, X-linked. Last evaluated: 2024-10-07. Review status: criteria provided, single submitter. Criteria: Invitae Variant Classification Sherloc (09022015). Collection method: clinical testing. Allele origin: germline.
Comment: This sequence change replaces methionine, which is neutral and non-polar, with leucine, which is neutral and non-polar, at codon 319 of the CYBB protein (p.Met319Leu). This variant is not present in population databases (gnomAD no frequency). This variant has not been reported in the literature in individuals affected with CYBB-related conditions. Invitae Evidence Modeling of protein sequence and biophysical properties (such as structural, functional, and spatial information, amino acid conservation, physicochemical variation, residue mobility, and thermodynamic stability) has been performed for this missense variant. However, the output from this modeling did not meet the statistical confidence thresholds required to predict the impact of this variant on CYBB protein function. In summary, the available evidence is currently insufficient to determine the role of this variant in disease. Therefore, it has been classified as a Variant of Uncertain Significance.

NM_000397.4(CYBB):c.955A>T (p.Met319Leu)

Gene: CYBB (cytochrome b-245 beta chain; plus strand). Cytogenetic location: Xp11.4.
Variant type: single nucleotide variant.
Coding change: c.955A>T on transcript NM_000397.4 (MANE Select); coding-DNA position 955, A replaced by T.
Protein change: p.Met319Leu; replaces methionine 319 with leucine.
Molecular consequence: missense variant.
Genome position (GRCh38, 1-based): chrX:37,803,934, A>T. VCF-style: chrX-37803934-A-T. GRCh37 (hg19) VCF-style: chrX-37663187-A-T.
Other names: short protein forms M319L.
Identifiers: ClinVar variation 3631753 (VCV003631753.2).